The following is an entry in ClinVar:

NM_000218.3(KCNQ1):c.1524del (p.Glu508fs)

Gene: KCNQ1 (potassium voltage-gated channel subfamily Q member 1; plus strand). Cytogenetic location: 11p15.5.
Variant type: Deletion.
Coding change: c.1524del on transcript NM_000218.3 (MANE Select); coding-DNA position 1524, one base deleted (A; older notation c.1524delA).
Protein change: p.Glu508fs; shifts the reading frame from glutamic acid 508.
Molecular consequence: frameshift variant.
Genome position (GRCh38, 1-based): chr11:2,768,853, A deleted; the last of 2 consecutive A bases (chr11:2,768,852-2,768,853); deleting either gives the same sequence. VCF-style (leftmost placement, unchanged base first): chr11-2768851-GA-G. GRCh37 (hg19) VCF-style: chr11-2790081-GA-G.
Other names: c.1428delA, p.Glu476Aspfs (NM_001406836.1); c.1254delA, p.Glu418Aspfs (NM_001406837.1); c.984delA, p.Glu328Aspfs (NM_001406838.1); c.1143delA, p.Glu381Aspfs (NM_181798.2); short protein forms E508fs, E381fs.
Identifiers: ClinVar variation 587644 (VCV000587644.5), dbSNP rs1564886349, ClinGen allele CA891842695.
Genomic context (GRCh38, chr11:2,768,851, plus strand): 5'-GATGACCAGCACAGGGTGGCCACTCACAATCTCCTCTCCTCTCTCCACTGCAGGCTGCGG[GA>G]ACACCATCGGGCCACCATTAAGGTCATTCGACGCATGCAGTACTTTGTGGCCAAGAAGAA-3'

ClinVar aggregate classification (germline): Likely pathogenic (1 of 4 stars; one submission).

Conditions:
Long QT syndrome 1 (LQT1). Identifiers: Orphanet 101016, Orphanet 768, MedGen C4551647, MONDO:0100316, OMIM 192500, MONDO:0008646.

Submission:

Royal Brompton Clinical Genetics And Genomics Laboratory, NHS South East Genomic Laboratory Hub
Classification: Likely pathogenic for Long QT syndrome, LQT1 subtype. Last evaluated: 2017-09-12. Review status: criteria provided, single submitter. Criteria: RBHT-CGGL ClinVar Assertion Criteria. Collection method: clinical testing. Allele origin: germline. Affected: yes. Observed: 1 variant allele.
Comment: This variant causes a frameshift, and is predicted to cause premature termination. To the best of our knowledge this variant has not been previously reported either in patients or control populations (ExAC database). Truncating variants in a similar region (C-domain) of the protein are known to cause LQTS. This variant is therefore considered to be likely pathogenic